The following is an entry in ClinVar:

ClinVar aggregate classification (germline): Likely pathogenic (1 of 4 stars; one submission).

Submission:

GeneDx
Classification: Likely pathogenic. Last evaluated: 2026-09-25. Review status: criteria provided, single submitter. Criteria: GeneDx Variant Classification Process June 2021. Collection method: clinical testing. Allele origin: germline.
Comment: Not observed at significant frequency in large population cohorts (gnomAD); In silico analysis supports that this missense variant has a deleterious effect on protein structure/function; Has not been previously published as pathogenic or benign in association with an FBN1-related disorder to our knowledge; This variant is associated with the following publications: (PMID: 20591885, 34663891, 32123317)

NM_000138.5(FBN1):c.4343A>G (p.Asp1448Gly)

Gene: FBN1 (fibrillin 1; minus strand). Cytogenetic location: 15q21.1.
Variant type: single nucleotide variant.
Coding change: c.4343A>G on transcript NM_000138.5 (MANE Select); coding-DNA position 4343, A replaced by G.
Protein change: p.Asp1448Gly; replaces aspartic acid 1448 with glycine.
Molecular consequence: missense variant.
Genome position (GRCh38, 1-based): chr15:48,470,750, T>C on the plus strand (A>G on the coding strand, the complement: FBN1 is on the minus strand). VCF-style: chr15-48470750-T-C. GRCh37 (hg19) VCF-style: chr15-48762947-T-C.
Other names: p.D1448G:GAT>GGT; short protein forms D1448G.
Identifiers: ClinVar variation 200043 (VCV000200043.3), dbSNP rs794728222, ClinGen allele CA014985.